The following is an entry in ClinVar:

ClinVar aggregate classification (germline): Uncertain significance. Review status: criteria provided, multiple submitters, no conflicts (2 of 4 stars). 2 submissions from 2 submitters: Uncertain significance (2). Last evaluated 2024-02-05.

Allele frequency attached by ClinVar (database versions not stated): TOPMed 0.00003; gnomAD exomes 0.00004; gnomAD 0.00005 and 0.00006; 1000 Genomes Project 30x 0.00021; 1000 Genomes Project 0.00026.
gnomAD v4.1: 21 of 1,201,596 alleles (0.0017%); highest among the groups gnomAD compares: East Asian, 0.03%; no homozygotes.

Submissions (2):

Labcorp Genetics (formerly Invitae), Labcorp
Classification: Uncertain significance. Last evaluated: 2024-02-05. Review status: criteria provided, single submitter. Criteria: Invitae Variant Classification Sherloc (09022015). Collection method: clinical testing. Allele origin: germline.
Comment: This sequence change replaces arginine, which is basic and polar, with histidine, which is basic and polar, at codon 1272 of the COL4A6 protein (p.Arg1272His). This variant is present in population databases (rs756910677, gnomAD 0.04%). This variant has not been reported in the literature in individuals affected with COL4A6-related conditions. ClinVar contains an entry for this variant (Variation ID: 1523887). Advanced modeling of protein sequence and biophysical properties (such as structural, functional, and spatial information, amino acid conservation, physicochemical variation, residue mobility, and thermodynamic stability) performed at Invitae indicates that this missense variant is not expected to disrupt COL4A6 protein function with a negative predictive value of 80%. In summary, the available evidence is currently insufficient to determine the role of this variant in disease. Therefore, it has been classified as a Variant of Uncertain Significance.

Ambry Genetics
Classification: Uncertain significance. Last evaluated: 2023-06-29. Review status: criteria provided, single submitter. Criteria: Ambry Variant Classification Scheme 2023. Collection method: clinical testing. Allele origin: germline.

NM_033641.4(COL4A6):c.3812G>A (p.Arg1271His)

Gene: COL4A6 (collagen type IV alpha 6 chain; minus strand). Cytogenetic location: Xq22.3.
Variant type: single nucleotide variant.
Coding change: c.3812G>A on transcript NM_033641.4 (MANE Select); coding-DNA position 3812, G replaced by A.
Protein change: p.Arg1271His; replaces arginine 1271 with histidine.
Molecular consequence: missense variant.
Genome position (GRCh38, 1-based): chrX:108,165,035, C>T on the plus strand (G>A on the coding strand, the complement: COL4A6 is on the minus strand). VCF-style: chrX-108165035-C-T. GRCh37 (hg19) VCF-style: chrX-107408265-C-T.
Other names: c.3815G>A (NM_001847.2); c.3863G>A, p.Arg1288His (NM_001287758.2); c.3740G>A, p.Arg1247His (NM_001287759.2, NM_001287760.2); c.3815G>A, p.Arg1272His (NM_001847.4); short protein forms R1271H, R1272H, R1288H, R1247H.
Identifiers: ClinVar variation 1523887 (VCV001523887.7), dbSNP rs756910677, ClinGen allele CA10487319.